The following is an entry in ClinVar:

NM_000218.3(KCNQ1):c.1394-18150T>G

Genes: KCNQ1 (potassium voltage-gated channel subfamily Q member 1; plus strand), KCNQ1OT1 (KCNQ1 opposite strand/antisense transcript 1; minus strand). Cytogenetic location: 11p15.5.
Variant type: single nucleotide variant.
Coding change: c.1394-18150T>G on transcript NM_000218.3 (MANE Select); 18150 bases into the intron before coding-DNA position 1394, T replaced by G.
Molecular consequence: intron variant.
Genome position (GRCh38, 1-based): chr11:2,643,811, T>G. VCF-style: chr11-2643811-T-G. GRCh37 (hg19) VCF-style: chr11-2665041-T-G.
Other names: c.1124-18150T>G (NM_001406837.1); c.1298-18150T>G (NM_001406836.1); c.854-18150T>G (NM_001406838.1); c.1013-18150T>G (NM_181798.2).
Identifiers: ClinVar variation 2570789 (VCV002570789.27), dbSNP rs184076045, ClinGen allele CA13527416.

ClinVar aggregate classification (germline): Benign (1 of 4 stars; one submission).

Allele frequency attached by ClinVar (database versions not stated): 1000 Genomes Project 30x 0.00016; 1000 Genomes Project 0.00020; TOPMed 0.00151; gnomAD 0.00176; gnomAD exomes 0.00178.
gnomAD v4.1: 702 of 398,614 alleles (0.18%); highest among the groups gnomAD compares: Admixed American, 0.34%; no homozygotes.

Submission:

CeGaT Center for Human Genetics Tuebingen
Classification: Benign. Last evaluated: 2026-07-01. Review status: criteria provided, single submitter. Criteria: CeGaT Center For Human Genetics Tuebingen Variant Classification Criteria Version 2. Collection method: clinical testing. Allele origin: germline. Affected: yes. Observed: 10 variant alleles.
Comment: KCNQ1OT1: BS1, BS2